The following is an entry in ClinVar:

NM_005633.4(SOS1):c.2681C>G (p.Pro894Arg)

Gene: SOS1 (SOS Ras/Rac guanine nucleotide exchange factor 1; minus strand). Cytogenetic location: 2p22.1.
Variant type: single nucleotide variant.
Coding change: c.2681C>G on transcript NM_005633.4 (MANE Select); coding-DNA position 2681, C replaced by G.
Protein change: p.Pro894Arg; replaces proline 894 with arginine.
Molecular consequence: missense variant.
Genome position (GRCh38, 1-based): chr2:39,006,522, G>C on the plus strand (C>G on the coding strand, the complement: SOS1 is on the minus strand). VCF-style: chr2-39006522-G-C. GRCh37 (hg19) VCF-style: chr2-39233663-G-C.
Other names: c.2660C>G, p.Pro887Arg (NM_001382394.1); c.2681C>G, p.Pro894Arg (NM_001382395.1); short protein forms P894R, P887R.
Identifiers: ClinVar variation 561502 (VCV000561502.2), dbSNP rs1367714753, ClinGen allele CA346363274.

ClinVar aggregate classification (germline): Uncertain significance. Review status: criteria provided, multiple submitters, no conflicts (2 of 4 stars). 2 submissions from 2 submitters: Uncertain significance (2). Last evaluated 2026-04-01.

Conditions:
Cardiovascular phenotype. Identifiers: MedGen CN230736.

Allele frequency attached by ClinVar (database versions not stated): gnomAD exomes below 0.00001; TOPMed 0.00001.
gnomAD v4.1: 1 of 1,547,838 alleles (0.000065%); highest among the groups gnomAD compares: Non-Finnish European, 0.000089%; no homozygotes.

Submissions (2):

Ambry Genetics
Classification: Uncertain significance for Cardiovascular phenotype. Last evaluated: 2026-04-01. Review status: criteria provided, single submitter. Criteria: Ambry Variant Classification Scheme 2023. Collection method: clinical testing. Allele origin: germline.
Comment: The p.P894R variant (also known as c.2681C>G), located in coding exon 17 of the SOS1 gene, results from a C to G substitution at nucleotide position 2681. The proline at codon 894 is replaced by arginine, an amino acid with dissimilar properties. This variant was reported in individual(s) with features consistent with RASopathy (Lepri F et al. Hum Mutat, 2011 Jul;32:760-72). In an assay testing SOS1 function, this variant showed a functionally indeterminant result (Smith MJ et al. Proc Natl Acad Sci U S A, 2013 Mar;110:4574-9). This amino acid position is well conserved in available vertebrate species. In addition, the in silico prediction for this alteration is inconclusive. Based on the available evidence, the clinical significance of this variant remains unclear.

GeneDx
Classification: Uncertain significance. Last evaluated: 2018-04-19. Review status: criteria provided, single submitter. Criteria: GeneDx Variant Classification (06012015). Collection method: clinical testing. Allele origin: germline. Affected: yes.
Comment: The P894R variant has been observed in a son and father with clinical features consistent with Noonan syndrome (Lepri et al., 2011). However, functional analysis demonstrates the P894R variant does not significantly alter Erk phosphorylation or RAS exchange rate compared to wildtype controls, suggesting this variant does not alter SOS1 protein function (Smith et al., 2013). The P894R variant is not observed in large population cohorts (Lek et al., 2016). This variant is a non-conservative amino acid substitution, which is likely to impact secondary protein structure as these residues differ in polarity, charge, size and/or other properties. In-silico analyses, including protein predictors and evolutionary conservation, support a deleterious effect.

Literature cited by the submitters: PubMed 21387466 (cited by Ambry Genetics); PubMed 23487764 (cited by Ambry Genetics).